The following is an entry in ClinVar:

ClinVar aggregate classification (germline): Uncertain significance. Review status: criteria provided, multiple submitters, no conflicts (2 of 4 stars). 4 submissions from 3 submitters: Uncertain significance (4). Last evaluated 2023-01-13.

Conditions:
Lethal Kniest-like syndrome (DDSH). Also called: Dyssegmental Dysplasia. Identifiers: Orphanet 1865, MedGen C1857100, MONDO:0009140, OMIM 224410.
Inborn genetic diseases. Identifiers: MedGen C0950123, MeSH D030342.
Schwartz-Jampel syndrome. Also called: Myotonic myopathy dwarfism chondrodystrophy and ocular and facial abnormalities. Identifiers: Orphanet 800, MedGen C0036391, MONDO:0009717.

Allele frequency attached by ClinVar (database versions not stated): ExAC 0.00002; gnomAD exomes 0.00002; TOPMed 0.00003; gnomAD 0.00005; ESP Exome Variant Server 0.00008.
gnomAD v4.1: 106 of 1,612,998 alleles (0.0066%); highest among the groups gnomAD compares: East Asian, 0.027%; no homozygotes.

Submissions (4):

Ambry Genetics
Classification: Uncertain significance for Inborn genetic diseases. Last evaluated: 2023-01-13. Review status: criteria provided, single submitter. Criteria: Ambry Variant Classification Scheme 2023. Collection method: clinical testing. Allele origin: germline.
Comment: The c.5657G>A (p.R1886H) alteration is located in exon 44 (coding exon 44) of the HSPG2 gene. This alteration results from a G to A substitution at nucleotide position 5657, causing the arginine (R) at amino acid position 1886 to be replaced by a histidine (H). Based on data from gnomAD, the A allele has an overall frequency of 0.003% (8/280834) total alleles studied. The highest observed frequency was 0.005% (1/19928) of East Asian alleles. This amino acid position is not well conserved in available vertebrate species. This alteration is predicted to be tolerated by in silico analysis. Based on insufficient or conflicting evidence, the clinical significance of this alteration remains unclear.

Revvity Omics, Revvity
Classification: Uncertain significance. Last evaluated: 2019-05-03. Review status: criteria provided, single submitter. Criteria: ACMG Guidelines, 2015. Collection method: clinical testing. Allele origin: germline.

Illumina Laboratory Services, Illumina
Classification: Uncertain significance for Lethal Kniest-like syndrome. Last evaluated: 2018-01-12. Review status: criteria provided, single submitter. Criteria: ICSL Variant Classification Criteria 13 December 2019. Collection method: clinical testing. Allele origin: germline.

Illumina Laboratory Services, Illumina
Classification: Uncertain significance for Schwartz-Jampel syndrome type 1. Last evaluated: 2018-01-12. Review status: criteria provided, single submitter. Criteria: ICSL Variant Classification Criteria 13 December 2019. Collection method: clinical testing. Allele origin: germline.

NM_005529.7(HSPG2):c.5657G>A (p.Arg1886His)

Gene: HSPG2 (heparan sulfate proteoglycan 2; minus strand). Cytogenetic location: 1p36.12.
Variant type: single nucleotide variant.
Coding change: c.5657G>A on transcript NM_005529.7 (MANE Select); coding-DNA position 5657, G replaced by A.
Protein change: p.Arg1886His; replaces arginine 1886 with histidine.
Molecular consequence: missense variant.
Genome position (GRCh38, 1-based): chr1:21,855,831, C>T on the plus strand (G>A on the coding strand, the complement: HSPG2 is on the minus strand). VCF-style: chr1-21855831-C-T. GRCh37 (hg19) VCF-style: chr1-22182324-C-T.
Other names: c.5660G>A, p.Arg1887His (NM_001291860.2); short protein forms R1886H, R1887H.
Identifiers: ClinVar variation 295829 (VCV000295829.9), dbSNP rs370745167, ClinGen allele CA671842.
Genomic context (GRCh38, chr1:21,855,831, plus strand): 5'-CCCATCACGGCCTCACCTGTCCACTCGAGGGTGGGCGTGGGGCTCCCTGTGGCGCTGCAG[C>T]GGAACTCCGCCAGTTGCCCGGGCTGCACTGTGAGCTGTGGCGGATGGATGGAGACCACGG-3'
Protein context (NP_005520.4, residues 1876-1896): TVQPGQLAEF[Arg1886His]CSATGSPTPT